The following is an entry in ClinVar:

ClinVar aggregate classification (germline): Uncertain significance (1 of 4 stars; one submission).

Conditions:
Perlman syndrome (PRLMNS). Identifiers: Orphanet 2849, MedGen C0796113, MONDO:0009965, OMIM 267000.

gnomAD v4.1: 2 of 1,613,838 alleles (0.00012%); highest among the groups gnomAD compares: Non-Finnish European, 0.000085%; no homozygotes.

Submission:

Labcorp Genetics (formerly Invitae), Labcorp
Classification: Uncertain significance for Perlman syndrome. Last evaluated: 2023-03-16. Review status: criteria provided, single submitter. Criteria: Invitae Variant Classification Sherloc (09022015). Collection method: clinical testing. Allele origin: germline.
Comment: This variant has not been reported in the literature in individuals affected with DIS3L2-related conditions. This variant is not present in population databases (gnomAD no frequency). This sequence change replaces asparagine, which is neutral and polar, with threonine, which is neutral and polar, at codon 403 of the DIS3L2 protein (p.Asn403Thr). ClinVar contains an entry for this variant (Variation ID: 1417043). Advanced modeling of protein sequence and biophysical properties (such as structural, functional, and spatial information, amino acid conservation, physicochemical variation, residue mobility, and thermodynamic stability) performed at Invitae indicates that this missense variant is not expected to disrupt DIS3L2 protein function. In summary, the available evidence is currently insufficient to determine the role of this variant in disease. Therefore, it has been classified as a Variant of Uncertain Significance.

NM_152383.5(DIS3L2):c.1208A>C (p.Asn403Thr)

Gene: DIS3L2 (DIS3 like 3'-5' exoribonuclease 2; plus strand). Cytogenetic location: 2q37.1.
Variant type: single nucleotide variant.
Coding change: c.1208A>C on transcript NM_152383.5 (MANE Select); coding-DNA position 1208, A replaced by C.
Protein change: p.Asn403Thr; replaces asparagine 403 with threonine.
Molecular consequence: missense variant. On other transcripts: non-coding transcript variant (2).
Genome position (GRCh38, 1-based): chr2:232,238,536, A>C. VCF-style: chr2-232238536-A-C. GRCh37 (hg19) VCF-style: chr2-233103246-A-C.
Other names: c.1208A>C, p.Asn403Thr (NM_001257281.2); short protein forms N403T.
Identifiers: ClinVar variation 1417043 (VCV001417043.6), dbSNP rs761671385, ClinGen allele CA351154555.
Genomic context (GRCh38, chr2:232,238,536, plus strand): 5'-GGAGAGAATGCTGTGGCCTTCCACGCCAGCCTGATAGTCCTTCTCGTGCATTTACAGGCA[A>C]CTTCAAAGTGGGAGTTCACATTGCTGACGTGAGTTACTTTGTTCCGGAGGGATCTGATCT-3'
Protein context (NP_689596.4, residues 393-413): ALSCKPLADG[Asn403Thr]FKVGVHIADV